The following is an entry in ClinVar:

NM_001243133.2(NLRP3):c.1484C>T (p.Ala495Val)

Gene: NLRP3 (NLR family pyrin domain containing 3; plus strand). Cytogenetic location: 1q44.
Variant type: single nucleotide variant.
Coding change: c.1484C>T on transcript NM_001243133.2 (MANE Select); coding-DNA position 1484, C replaced by T.
Protein change: p.Ala495Val; replaces alanine 495 with valine.
Molecular consequence: missense variant.
Genome position (GRCh38, 1-based): chr1:247,424,933, C>T. VCF-style: chr1-247424933-C-T. GRCh37 (hg19) VCF-style: chr1-247588235-C-T.
Other names: c.1484C>T, p.Ala495Val (NM_001079821.3, NM_001127461.3, NM_001127462.3 and 1 more transcripts); c.1490C>T, p.Ala497Val (NM_004895.5); c.1490C>T (NM_004895.4); short protein forms A497V, A495V.
Identifiers: ClinVar variation 97935 (VCV000097935.10), dbSNP rs180177474, ClinGen allele CA281221.

ClinVar aggregate classification (germline): Uncertain significance. Review status: criteria provided, multiple submitters, no conflicts (2 of 4 stars). 3 submissions from 3 submitters: Uncertain significance (2). 1 of the submissions does not count toward it. Last evaluated 2025-11-10.

Conditions:
Cryopyrin associated periodic syndrome (CAPS). Identifiers: Orphanet 208650, MedGen C2316212, MONDO:0016168.
Chronic infantile neurological, cutaneous and articular syndrome (CINCA). Also called: CHRONIC NEUROLOGIC CUTANEOUS AND ARTICULAR SYNDROME; CINCA syndrome; Prieur Griscelli syndrome; CRYOPYRIN-ASSOCIATED PERIODIC SYNDROME 3. Identifiers: Orphanet 1451, MedGen C0409818, MONDO:0011776, OMIM 607115.
Familial amyloid nephropathy with urticaria AND deafness (MWS). Also called: UDA SYNDROME; URTICARIA-DEAFNESS-AMYLOIDOSIS SYNDROME; MUCKLE-WELLS SYNDROME; Urticaria, deafness and amyloidosis; CRYOPYRIN-ASSOCIATED PERIODIC SYNDROME 2. Identifiers: Orphanet 575, MedGen C0268390, MONDO:0008633, OMIM 191900.
Hearing loss, autosomal dominant 34, with or without inflammation. Also called: DEAFNESS, AUTOSOMAL DOMINANT 34, WITH OR WITHOUT INFLAMMATION. Identifiers: MedGen C4521680, MONDO:0033261, OMIM 617772.
Familial cold autoinflammatory syndrome 1 (FCAS1). Also called: CRYOPYRIN-ASSOCIATED PERIODIC SYNDROME 1; Familial cold inflammatory syndrome 1. Identifiers: Orphanet 47045, MedGen C4551895, MONDO:0007349, OMIM 120100.
Keratitis fugax hereditaria. Also called: KERATOENDOTHELIITIS FUGAX HEREDITARIA. Identifiers: Orphanet 647815, MedGen C1835697, MONDO:0007849, OMIM 148200.

Allele frequency attached by ClinVar (database versions not stated): ExAC 0.00001; gnomAD 0.00001; TOPMed 0.00001; gnomAD exomes 0.00002.
gnomAD v4.1: 11 of 1,613,440 alleles (0.00068%); highest among the groups gnomAD compares: Admixed American, 0.005%; no homozygotes.

Submissions (3):

Labcorp Genetics (formerly Invitae), Labcorp
Classification: Uncertain significance for Cryopyrin associated periodic syndrome. Last evaluated: 2025-11-10. Review status: criteria provided, single submitter. Criteria: Invitae Variant Classification Sherloc (09022015). Collection method: clinical testing. Allele origin: germline.
Comment: This sequence change replaces alanine, which is neutral and non-polar, with valine, which is neutral and non-polar, at codon 497 of the NLRP3 protein (p.Ala497Val). This variant is present in population databases (rs180177474, gnomAD 0.009%). This missense change has been observed in individual(s) with NLRP3-associated condition(s) (PMID: 25979514). ClinVar contains an entry for this variant (Variation ID: 97935). Invitae Evidence Modeling of protein sequence and biophysical properties (such as structural, functional, and spatial information, amino acid conservation, physicochemical variation, residue mobility, and thermodynamic stability) indicates that this missense variant is not expected to disrupt NLRP3 protein function with a negative predictive value of 95%. In summary, the available evidence is currently insufficient to determine the role of this variant in disease. Therefore, it has been classified as a Variant of Uncertain Significance.

Fulgent Genetics
Classification: Uncertain significance for Familial cold autoinflammatory syndrome 1; Keratitis fugax hereditaria; Familial amyloid nephropathy with urticaria AND deafness; Chronic infantile neurological, cutaneous and articular syndrome; Hearing loss, autosomal dominant 34, with or without inflammation. Last evaluated: 2024-02-24. Review status: criteria provided, single submitter. Criteria: ACMG Guidelines, 2015. Collection method: clinical testing. Allele origin: germline.

Unité médicale des maladies autoinflammatoires, CHRU Montpellier
No classification provided. Condition: Familial cold urticaria. Review status: no classification provided. Collection method: not provided. Allele origin: unknown. Not counted in ClinVar's aggregate classification.
Comment: also involved in OMIM 191900 and 607115

Literature cited by the submitters: PubMed 25979514 (cited by Labcorp Genetics (formerly Invitae), Labcorp).